The following is an entry in ClinVar:

ClinVar aggregate classification (germline): Uncertain significance (1 of 4 stars; one submission).

Allele frequency attached by ClinVar (database versions not stated): gnomAD exomes below 0.00001.
gnomAD v4.1: 4 of 1,612,014 alleles (0.00025%); highest among the groups gnomAD compares: Middle Eastern, 0.017%; no homozygotes.

Submission:

Labcorp Genetics (formerly Invitae), Labcorp
Classification: Uncertain significance. Last evaluated: 2024-06-24. Review status: criteria provided, single submitter. Criteria: Invitae Variant Classification Sherloc (09022015). Collection method: clinical testing. Allele origin: germline.
Comment: This sequence change creates a premature translational stop signal (p.Arg547*) in the FARSB gene. While this is not anticipated to result in nonsense mediated decay, it is expected to disrupt the last 43 amino acid(s) of the FARSB protein. This variant is not present in population databases (gnomAD no frequency). This variant has not been reported in the literature in individuals affected with FARSB-related conditions. ClinVar contains an entry for this variant (Variation ID: 1985101). Experimental studies and prediction algorithms are not available or were not evaluated, and the functional significance of this variant is currently unknown. In summary, the available evidence is currently insufficient to determine the role of this variant in disease. Therefore, it has been classified as a Variant of Uncertain Significance.

NM_005687.5(FARSB):c.1639C>T (p.Arg547Ter)

Gene: FARSB (phenylalanyl-tRNA synthetase subunit beta; minus strand). Cytogenetic location: 2q36.1.
Variant type: single nucleotide variant.
Coding change: c.1639C>T on transcript NM_005687.5 (MANE Select); coding-DNA position 1639, C replaced by T.
Protein change: p.Arg547Ter; replaces arginine 547 with a stop codon.
Molecular consequence: nonsense. On other transcripts: non-coding transcript variant (1).
Genome position (GRCh38, 1-based): chr2:222,572,002, G>A on the plus strand (C>T on the coding strand, the complement: FARSB is on the minus strand). VCF-style: chr2-222572002-G-A. GRCh37 (hg19) VCF-style: chr2-223436721-G-A.
Other names: short protein forms R547*.
Identifiers: ClinVar variation 1985101 (VCV001985101.4), dbSNP rs2469344587, ClinGen allele CA350805771.